The following is an entry in ClinVar:

ClinVar aggregate classification (germline): Uncertain significance (1 of 4 stars; one submission).

Conditions:
Intellectual disability, CASK-related, X-linked. Identifiers: MedGen CN043158.

Submission:

Labcorp Genetics (formerly Invitae), Labcorp
Classification: Uncertain significance for Intellectual disability, CASK-related, X-linked. Last evaluated: 2022-05-15. Review status: criteria provided, single submitter. Criteria: Invitae Variant Classification Sherloc (09022015). Collection method: clinical testing. Allele origin: germline.
Comment: This variant results in a copy number gain of the genomic region encompassing exon(s) 17-24 of the CASK gene. While the exact position of this variant cannot be determined from the data, sub-genic copy number gains are generally in tandem (PMID: 25640679). This variant is predicted to be in-frame, and likely preserves the integrity of the reading frame. This variant has not been reported in the literature in individuals affected with CASK-related conditions. Experimental studies and prediction algorithms are not available or were not evaluated, and the functional significance of this variant is currently unknown. In summary, the available evidence is currently insufficient to determine the role of this variant in disease. Therefore, it has been classified as a Variant of Uncertain Significance.

Literature cited by the submitters: PubMed 25640679.

NC_000023.10:g.(?_41393939)_(41420917_?)dup

Gene: CASK (calcium/calmodulin dependent serine protein kinase; minus strand). Cytogenetic location: Xp11.4.
Variant type: Duplication.
Identifiers: ClinVar variation 2424731 (VCV002424731.4).